The following is an entry in ClinVar:

NM_145331.3(MAP3K7):c.1195A>G (p.Ile399Val)

Gene: MAP3K7 (mitogen-activated protein kinase kinase kinase 7; minus strand). Cytogenetic location: 6q15.
Variant type: single nucleotide variant.
Coding change: c.1195A>G on transcript NM_145331.3 (MANE Select); coding-DNA position 1195, A replaced by G.
Protein change: p.Ile399Val; replaces isoleucine 399 with valine.
Molecular consequence: missense variant.
Genome position (GRCh38, 1-based): chr6:90,547,273, T>C on the plus strand (A>G on the coding strand, the complement: MAP3K7 is on the minus strand). VCF-style: chr6-90547273-T-C. GRCh37 (hg19) VCF-style: chr6-91256992-T-C.
Other names: c.1195A>G, p.Ile399Val (NM_003188.4, NM_145332.3, NM_145333.3); short protein forms I399V.
Identifiers: ClinVar variation 2422042 (VCV002422042.6), dbSNP rs748605104, ClinGen allele CA3928448.

ClinVar aggregate classification (germline): Uncertain significance (1 of 4 stars; one submission).

Allele frequency attached by ClinVar (database versions not stated): gnomAD exomes 0.00001; ExAC 0.00002.
gnomAD v4.1: 14 of 1,613,594 alleles (0.00087%); highest among the groups gnomAD compares: South Asian, 0.014%; no homozygotes.

Submission:

Labcorp Genetics (formerly Invitae), Labcorp
Classification: Uncertain significance. Last evaluated: 2022-07-07. Review status: criteria provided, single submitter. Criteria: Invitae Variant Classification Sherloc (09022015). Collection method: clinical testing. Allele origin: germline.
Comment: This variant has not been reported in the literature in individuals affected with MAP3K7-related conditions. This sequence change replaces isoleucine, which is neutral and non-polar, with valine, which is neutral and non-polar, at codon 399 of the MAP3K7 protein (p.Ile399Val). This variant is present in population databases (rs748605104, gnomAD 0.01%). Algorithms developed to predict the effect of missense changes on protein structure and function (SIFT, PolyPhen-2, Align-GVGD) all suggest that this variant is likely to be tolerated. In summary, the available evidence is currently insufficient to determine the role of this variant in disease. Therefore, it has been classified as a Variant of Uncertain Significance.